The following is an entry in ClinVar:

ClinVar aggregate classification (germline): Uncertain significance (1 of 4 stars; one submission).

Conditions:
Interstitial lung disease 2 (ILD2). Also called: Familial idiopathic pulmonary fibrosis; FIBROCYSTIC PULMONARY DYSPLASIA; FIBROSING ALVEOLITIS, CRYPTOGENIC. Identifiers: Orphanet 2032, Orphanet 79126, MedGen C5561926, MONDO:0800497, OMIM 178500, MONDO:0800029.
Dyskeratosis congenita, autosomal dominant 2. Identifiers: MedGen C3151443, MONDO:0013521, OMIM 613989.

Submission:

Labcorp Genetics (formerly Invitae), Labcorp
Classification: Uncertain significance for Dyskeratosis congenita, autosomal dominant 2; Idiopathic Pulmonary Fibrosis. Last evaluated: 2020-12-22. Review status: criteria provided, single submitter. Criteria: Invitae Variant Classification Sherloc (09022015). Collection method: clinical testing. Allele origin: germline.
Comment: A copy number gain of the genomic region encompassing the full coding sequence of the TERT gene has been identified. The boundaries of this event are unknown as they extend beyond the assayed region for this gene and therefore may encompass additional genes. As the precise location of this event is unknown, it may be in tandem or it may be located elsewhere in the genome. This variant has not been reported in the literature in individuals with TERT-related conditions. Experimental studies and prediction algorithms are not available or were not evaluated, and the functional significance of this variant is currently unknown. In summary, the available evidence is currently insufficient to determine the role of this variant in disease. Therefore, it has been classified as a Variant of Uncertain Significance.

NC_000005.9:g.(?_1253833)_(1295161_?)dup

Genes: TERT (telomerase reverse transcriptase; minus strand), LOC110806263 (TERT 5' regulatory region; plus strand), LOC123493259 (Sharpr-MPRA regulatory region 13256; plus strand), LOC110806264 (TERT enhancer in intron 2; plus strand). Cytogenetic location: 5p15.33.
Variant type: Duplication.
Identifiers: ClinVar variation 584278 (VCV000584278.4).